The following is an entry in ClinVar:

NM_058216.3(RAD51C):c.544C>T (p.Leu182Phe)

Gene: RAD51C (RAD51 paralog C; plus strand). Cytogenetic location: 17q22.
Variant type: single nucleotide variant.
Coding change: c.544C>T on transcript NM_058216.3 (MANE Select); coding-DNA position 544, C replaced by T.
Protein change: p.Leu182Phe; replaces leucine 182 with phenylalanine.
Molecular consequence: missense variant.
Genome position (GRCh38, 1-based): chr17:58,696,832, C>T. VCF-style: chr17-58696832-C-T. GRCh37 (hg19) VCF-style: chr17-56774193-C-T.
Other names: c.544C>T (NM_058216.1); short protein forms L182F.
Identifiers: ClinVar variation 928387 (VCV000928387.5), dbSNP rs2048032499, ClinGen allele CA400345284.

ClinVar aggregate classification (germline): Uncertain significance. Review status: criteria provided, multiple submitters, no conflicts (2 of 4 stars). 2 submissions from 2 submitters: Uncertain significance (2). Last evaluated 2025-07-12.

Conditions:
Hereditary cancer-predisposing syndrome. Also called: Neoplastic Syndromes, Hereditary; Hereditary Cancer Syndrome; Tumor predisposition; Hereditary neoplastic syndrome. Identifiers: Orphanet 140162, MedGen C0027672, MeSH D009386, MONDO:0015356.

Submissions (2):

Ambry Genetics
Classification: Uncertain significance for Hereditary cancer-predisposing syndrome. Last evaluated: 2025-07-12. Review status: criteria provided, single submitter. Criteria: Ambry Variant Classification Scheme 2023. Collection method: clinical testing. Allele origin: germline.
Comment: The p.L182F variant (also known as c.544C>T), located in coding exon 3 of the RAD51C gene, results from a C to T substitution at nucleotide position 544. The leucine at codon 182 is replaced by phenylalanine, an amino acid with highly similar properties. This amino acid position is conserved. In addition, this alteration is predicted to be tolerated by in silico analysis. Based on the available evidence, the clinical significance of this variant remains unclear.

Color Diagnostics, LLC DBA Color Health
Classification: Uncertain significance for Hereditary cancer-predisposing syndrome. Last evaluated: 2023-12-05. Review status: criteria provided, single submitter. Criteria: ACMG Guidelines, 2015. Collection method: clinical testing. Allele origin: germline.
Comment: This missense variant replaces leucine with phenylalanine at codon 182 of the RAD51C protein. Computational prediction suggests that this variant may not impact protein structure and function (internally defined REVEL score threshold <= 0.5, PMID: 27666373). To our knowledge, functional studies have not been reported for this variant. This variant has not been reported in individuals affected with RAD51C-related disorders in the literature. This variant has not been identified in the general population by the Genome Aggregation Database (gnomAD). The available evidence is insufficient to determine the role of this variant in disease conclusively. Therefore, this variant is classified as a Variant of Uncertain Significance.